The following is an entry in ClinVar:

NM_001127208.3(TET2):c.3734A>C (p.Tyr1245Ser)

Genes: TET2 (tet methylcytosine dioxygenase 2; plus strand), TET2-AS1 (TET2 antisense RNA 1; minus strand). Cytogenetic location: 4q24.
Variant type: single nucleotide variant.
Coding change: c.3734A>C on transcript NM_001127208.3 (MANE Select); coding-DNA position 3734, A replaced by C.
Protein change: p.Tyr1245Ser; replaces tyrosine 1245 with serine.
Molecular consequence: missense variant.
Genome position (GRCh38, 1-based): chr4:105,243,709, A>C. VCF-style: chr4-105243709-A-C. GRCh37 (hg19) VCF-style: chr4-106164866-A-C.
Other names: short protein forms Y1245S.
Identifiers: ClinVar variation 2865045 (VCV002865045.3), dbSNP rs2110255532, ClinGen allele CA357805219.
Genomic context (GRCh38, chr4:105,243,709, plus strand): 5'-TGATTGTGATTCTCATCCTGGTGTGGGAAGGAATCCCGCTGTCTCTGGCTGACAAACTCT[A>C]CTCGGAGCTTACCGAGACGCTGAGGAAATACGGCACGCTCACCAATCGCCGGTGTGCCTT-3'
Protein context (NP_001120680.1, residues 1235-1255): GIPLSLADKL[Tyr1245Ser]SELTETLRKY

ClinVar aggregate classification (germline): Uncertain significance (1 of 4 stars; one submission).

Submission:

Labcorp Genetics (formerly Invitae), Labcorp
Classification: Uncertain significance. Last evaluated: 2023-05-16. Review status: criteria provided, single submitter. Criteria: Invitae Variant Classification Sherloc (09022015). Collection method: clinical testing. Allele origin: germline.
Comment: In summary, the available evidence is currently insufficient to determine the role of this variant in disease. Therefore, it has been classified as a Variant of Uncertain Significance. An algorithm developed to predict the effect of missense changes on protein structure and function (PolyPhen-2) suggests that this variant is likely to be disruptive. This variant has not been reported in the literature in individuals affected with TET2-related conditions. This variant is not present in population databases (gnomAD no frequency). This sequence change replaces tyrosine, which is neutral and polar, with serine, which is neutral and polar, at codon 1245 of the TET2 protein (p.Tyr1245Ser).